The following is an entry in ClinVar:

NM_000094.4(COL7A1):c.5906G>A (p.Ser1969Asn)

Gene: COL7A1 (collagen type VII alpha 1 chain; minus strand). Cytogenetic location: 3p21.31.
Variant type: single nucleotide variant.
Coding change: c.5906G>A on transcript NM_000094.4 (MANE Select); coding-DNA position 5906, G replaced by A.
Protein change: p.Ser1969Asn; replaces serine 1969 with asparagine.
Molecular consequence: missense variant.
Genome position (GRCh38, 1-based): chr3:48,575,699, C>T on the plus strand (G>A on the coding strand, the complement: COL7A1 is on the minus strand). VCF-style: chr3-48575699-C-T. GRCh37 (hg19) VCF-style: chr3-48613132-C-T.
Other names: short protein forms S1969N.
Identifiers: ClinVar variation 1482195 (VCV001482195.8), dbSNP rs2107676353, ClinGen allele CA352665176.
Genomic context (GRCh38, chr3:48,575,699, plus strand): 5'-GGGCCCTGTTCGCCTGAGTCCCCCTTGGGGCCTCGACGCCGTTCGGGCACAGGCAGGAAG[C>T]TACCAGAGCTCTCATCCCAGGTCTCCACGATCTCCCGCAGGGCAGATGCCTGAGGGACAG-3'
Protein context (NP_000085.1, residues 1959-1979): IVETWDESSG[Ser1969Asn]FLPVPERRRG

ClinVar aggregate classification (germline): Uncertain significance (1 of 4 stars; one submission).

Submission:

Labcorp Genetics (formerly Invitae), Labcorp
Classification: Uncertain significance. Last evaluated: 2021-01-17. Review status: criteria provided, single submitter. Criteria: Invitae Variant Classification Sherloc (09022015). Collection method: clinical testing. Allele origin: germline.
Comment: In summary, the available evidence is currently insufficient to determine the role of this variant in disease. Therefore, it has been classified as a Variant of Uncertain Significance. Algorithms developed to predict the effect of sequence changes on RNA splicing suggest that this variant may create or strengthen a splice site, but this prediction has not been confirmed by published transcriptional studies. Advanced modeling of protein sequence and biophysical properties (such as structural, functional, and spatial information, amino acid conservation, physicochemical variation, residue mobility, and thermodynamic stability) performed at Invitae indicates that this missense variant is not expected to disrupt COL7A1 protein function. This variant has not been reported in the literature in individuals with COL7A1-related conditions. This variant is not present in population databases (ExAC no frequency). This sequence change replaces serine with asparagine at codon 1969 of the COL7A1 protein (p.Ser1969Asn). The serine residue is moderately conserved and there is a small physicochemical difference between serine and asparagine.